The following is an entry in ClinVar:

NM_003070.5(SMARCA2):c.4243G>A (p.Glu1415Lys)

Gene: SMARCA2 (SWI/SNF related BAF chromatin remodeling complex subunit ATPase 2; plus strand). Cytogenetic location: 9p24.3.
Variant type: single nucleotide variant.
Coding change: c.4243G>A on transcript NM_003070.5 (MANE Select); coding-DNA position 4243, G replaced by A.
Protein change: p.Glu1415Lys; replaces glutamic acid 1415 with lysine.
Molecular consequence: missense variant. On other transcripts: intron variant (5).
Genome position (GRCh38, 1-based): chr9:2,170,462, G>A. VCF-style: chr9-2170462-G-A. GRCh37 (hg19) VCF-style: chr9-2170462-G-A.
Other names: c.4243G>A, p.Glu1415Lys (NM_001289396.2); c.4199+8559G>A (NM_139045.4); c.4025+8559G>A (NM_001289397.2); c.227+8559G>A (NM_001289398.2); c.317+8559G>A (NM_001289400.2); c.311+8559G>A (NM_001289399.2); short protein forms E1415K.
Identifiers: ClinVar variation 2840523 (VCV002840523.3), dbSNP rs1197918672, ClinGen allele CA372787922.
Genomic context (GRCh38, chr9:2,170,462, plus strand): 5'-TTTCTACTCTACCGCAGGTGTAACGTGGAGAAGGTGCCCAGTAATTCTCAGTTGGAAATA[G>A]AAGGAAACAGGTCAGGATCTGTCTTGTATTCCCCTATCTCTAAATACAGGTATCCCTCGT-3'
Protein context (NP_003061.3, residues 1405-1425): KVPSNSQLEI[Glu1415Lys]GNSSGRQLSE

ClinVar aggregate classification (germline): Uncertain significance (1 of 4 stars; one submission).

gnomAD v4.1: 2 of 1,614,116 alleles (0.00012%); highest among the groups gnomAD compares: Non-Finnish European, 0.00017%; no homozygotes.

Submission:

Labcorp Genetics (formerly Invitae), Labcorp
Classification: Uncertain significance. Last evaluated: 2023-02-24. Review status: criteria provided, single submitter. Criteria: Invitae Variant Classification Sherloc (09022015). Collection method: clinical testing. Allele origin: germline.
Comment: This variant has not been reported in the literature in individuals affected with SMARCA2-related conditions. This variant is not present in population databases (gnomAD no frequency). This sequence change replaces glutamic acid, which is acidic and polar, with lysine, which is basic and polar, at codon 1415 of the SMARCA2 protein (p.Glu1415Lys). Advanced modeling of protein sequence and biophysical properties (such as structural, functional, and spatial information, amino acid conservation, physicochemical variation, residue mobility, and thermodynamic stability) performed at Invitae indicates that this missense variant is not expected to disrupt SMARCA2 protein function. In summary, the available evidence is currently insufficient to determine the role of this variant in disease. Therefore, it has been classified as a Variant of Uncertain Significance.